The following is an entry in ClinVar:

NM_000548.5(TSC2):c.2726T>A (p.Val909Asp)

Gene: TSC2 (TSC complex subunit 2; plus strand). Cytogenetic location: 16p13.3.
Variant type: single nucleotide variant.
Coding change: c.2726T>A on transcript NM_000548.5 (MANE Select); coding-DNA position 2726, T replaced by A.
Protein change: p.Val909Asp; replaces valine 909 with aspartic acid.
Molecular consequence: missense variant. On other transcripts: non-coding transcript variant (5).
Genome position (GRCh38, 1-based): chr16:2,076,154, T>A. VCF-style: chr16-2076154-T-A. GRCh37 (hg19) VCF-style: chr16-2126155-T-A.
Other names: c.2579T>A, p.Val860Asp (NM_001406675.1, NM_001406676.1, NM_001406679.1 and 1 more transcripts); c.2669T>A, p.Val890Asp (NM_001406677.1); c.2615T>A, p.Val872Asp (NM_001406678.1, NM_001318827.2, NM_001406670.1); c.2126T>A, p.Val709Asp (NM_001406680.1, NM_001406682.1, NM_001406683.1 and 6 more transcripts); c.2264T>A, p.Val755Asp (NM_001406681.1); c.2726T>A, p.Val909Asp (NM_001077183.3, NM_001114382.3, NM_001363528.2 and 6 more transcripts); c.2759T>A, p.Val920Asp (NM_001318832.2); c.2816T>A, p.Val939Asp (NM_001406667.1, NM_001406668.1); and 3 more; short protein forms V890D, V709D, V755D, V872D, V909D, V939D, V375D, V860D.
Identifiers: ClinVar variation 2736292 (VCV002736292.4), dbSNP rs2151388871, ClinGen allele CA394279555.

ClinVar aggregate classification (germline): Likely pathogenic. Review status: criteria provided, multiple submitters, no conflicts (2 of 4 stars). 2 submissions from 2 submitters: Likely pathogenic (2). Last evaluated 2025-01-08.

Conditions:
Tuberous sclerosis 2 (TSC2). Identifiers: Orphanet 805, MedGen C1860707, MONDO:0013199, OMIM 613254.

Submissions (2):

GeneDx
Classification: Likely pathogenic. Last evaluated: 2025-01-08. Review status: criteria provided, single submitter. Criteria: GeneDx Variant Classification Process June 2021. Collection method: clinical testing. Allele origin: germline. Affected: yes.
Comment: Not observed at significant frequency in large population cohorts (gnomAD); In silico analysis supports that this missense variant has a deleterious effect on protein structure/function; This variant is associated with the following publications: (PMID: 27061015, 25946256)

Labcorp Genetics (formerly Invitae), Labcorp
Classification: Likely pathogenic for Tuberous sclerosis 2. Last evaluated: 2023-11-17. Review status: criteria provided, single submitter. Criteria: Invitae Variant Classification Sherloc (09022015). Collection method: clinical testing. Allele origin: germline.
Comment: This sequence change replaces valine, which is neutral and non-polar, with aspartic acid, which is acidic and polar, at codon 909 of the TSC2 protein (p.Val909Asp). This variant is not present in population databases (gnomAD no frequency). This missense change has been observed in individual(s) with tuberous sclerosis complex (PMID: 25946256; Invitae). In at least one individual the variant was observed to be de novo. Advanced modeling of protein sequence and biophysical properties (such as structural, functional, and spatial information, amino acid conservation, physicochemical variation, residue mobility, and thermodynamic stability) has been performed at Invitae for this missense variant, however the output from this modeling did not meet the statistical confidence thresholds required to predict the impact of this variant on TSC2 protein function. In summary, the currently available evidence indicates that the variant is pathogenic, but additional data are needed to prove that conclusively. Therefore, this variant has been classified as Likely Pathogenic.

Literature cited by the submitters: PubMed 25946256 (cited by Labcorp Genetics (formerly Invitae), Labcorp).